The following is an entry in ClinVar:

ClinVar aggregate classification (germline): Uncertain significance (1 of 4 stars; one submission).

Allele frequency attached by ClinVar (database versions not stated): gnomAD exomes below 0.00001; gnomAD 0.00001.
gnomAD v4.1: 5 of 1,534,660 alleles (0.00033%); highest among the groups gnomAD compares: South Asian, 0.0048%; no homozygotes.

Submission:

GeneDx
Classification: Uncertain significance. Last evaluated: 2022-06-13. Review status: criteria provided, single submitter. Criteria: GeneDx Variant Classification Process June 2021. Collection method: clinical testing. Allele origin: germline. Affected: yes.
Comment: Not observed at significant frequency in large population cohorts (gnomAD); Nonsense variant predicted to result in protein truncation or nonsense mediated decay in a gene or region of a gene for which loss of function is not a well-established mechanism of disease; Has not been previously published as pathogenic or benign to our knowledge; Reported using an alternate transcript of the gene

NM_024417.5(FDXR):c.80-171C>G

Gene: FDXR (ferredoxin reductase; minus strand). Cytogenetic location: 17q25.1.
Variant type: single nucleotide variant.
Coding change: c.80-171C>G on transcript NM_024417.5 (MANE Select); 171 bases into the intron before coding-DNA position 80, C replaced by G.
Molecular consequence: intron variant. On other transcripts: nonsense (1).
Genome position (GRCh38, 1-based): chr17:74,872,304, G>C on the plus strand (C>G on the coding strand, the complement: FDXR is on the minus strand). VCF-style: chr17-74872304-G-C. GRCh37 (hg19) VCF-style: chr17-72868429-G-C.
Other names: c.92C>G, p.Ser31Ter (NM_001258013.4); c.80-171C>G (NM_001258014.4, NM_004110.6, NM_001258015.3 and 1 more transcripts); short protein forms S31*.
Identifiers: ClinVar variation 1804318 (VCV001804318.1), dbSNP rs1567919708, ClinGen allele CA400979707.